The following is an entry in ClinVar:

ClinVar aggregate classification (germline): Likely benign. Review status: criteria provided, multiple submitters, no conflicts (2 of 4 stars). 3 submissions from 3 submitters: Likely benign (3). Last evaluated 2026-01-01.

Conditions:
Glycogen storage disease type III (GSD3). Also called: Cori disease; FORBES DISEASE. Identifiers: Orphanet 366, MedGen C0017922, MONDO:0009291, OMIM 232400.

Allele frequency attached by ClinVar (database versions not stated): gnomAD exomes 0.00001 and 0.00005; TOPMed 0.00001; gnomAD 0.00002.

Submissions (3):

Labcorp Genetics (formerly Invitae), Labcorp
Classification: Likely benign for Glycogen storage disease type III. Last evaluated: 2026-01-01. Review status: criteria provided, single submitter. Criteria: Invitae Variant Classification Sherloc (09022015). Collection method: clinical testing. Allele origin: germline.

Genome-Nilou Lab
Classification: Likely benign for Glycogen storage disease type III. Last evaluated: 2023-04-11. Review status: criteria provided, single submitter. Criteria: ACMG Guidelines, 2015. Collection method: clinical testing. Allele origin: germline. Affected: no.

GeneDx
Classification: Likely benign. Last evaluated: 2017-03-07. Review status: criteria provided, single submitter. Criteria: GeneDx Variant Classification (06012015). Collection method: clinical testing. Allele origin: germline. Affected: yes.
Comment: This variant is considered likely benign or benign based on one or more of the following criteria: it is a conservative change, it occurs at a poorly conserved position in the protein, it is predicted to be benign by multiple in silico algorithms, and/or has population frequency not consistent with disease.

NM_000642.3(AGL):c.959-15T>C

Gene: AGL (amylo-alpha-1,6-glucosidase and 4-alpha-glucanotransferase; plus strand). Cytogenetic location: 1p21.2.
Variant type: single nucleotide variant.
Coding change: c.959-15T>C on transcript NM_000642.3 (MANE Select); 15 bases into the intron before coding-DNA position 959, T replaced by C.
Molecular consequence: intron variant.
Genome position (GRCh38, 1-based): chr1:99,874,672, T>C. VCF-style: chr1-99874672-T-C. GRCh37 (hg19) VCF-style: chr1-100340228-T-C.
Other names: c.959-15T>C (NM_000643.3, NM_000644.3, NM_001425326.1 and 3 more transcripts); c.911-15T>C (NM_000646.3); c.755-15T>C (NM_001425328.1, NM_001425329.1); c.581-15T>C (NM_001425332.1).
Identifiers: ClinVar variation 507752 (VCV000507752.9), dbSNP rs1159446395, ClinGen allele CA524720337.